The following is an entry in ClinVar:

ClinVar aggregate classification (germline): Conflicting classifications of pathogenicity. Review status: criteria provided, conflicting classifications (1 of 4 stars). 2 submissions from 2 submitters: Uncertain significance (1); Likely benign (1). Last evaluated 2023-03-01.

Allele frequency attached by ClinVar (database versions not stated): gnomAD exomes below 0.00001; TOPMed below 0.00001.
gnomAD v4.1: 1 of 1,614,210 alleles (0.000062%); highest among the groups gnomAD compares: Non-Finnish European, 0.000085%; no homozygotes.

Submissions (2):

CeGaT Center for Human Genetics Tuebingen
Classification: Likely benign. Last evaluated: 2023-03-01. Review status: criteria provided, single submitter. Criteria: CeGaT Center For Human Genetics Tuebingen Variant Classification Criteria Version 2. Collection method: clinical testing. Allele origin: germline. Affected: yes. Observed: 1 variant allele.
Comment: COL2A1: BP4, BP7

Blueprint Genetics
Classification: Uncertain significance. Last evaluated: 2018-08-03. Review status: criteria provided, single submitter. Criteria: ACMG Guidelines, 2015. Collection method: clinical testing. Allele origin: germline.

NM_001844.5(COL2A1):c.4152A>G (p.Glu1384=)

Gene: COL2A1 (collagen type II alpha 1 chain; minus strand). Cytogenetic location: 12q13.11.
Variant type: single nucleotide variant.
Coding change: c.4152A>G on transcript NM_001844.5 (MANE Select); coding-DNA position 4152, A replaced by G.
Protein change: p.Glu1384=; no amino-acid change (glutamic acid 1384 retained).
Molecular consequence: synonymous variant.
Genome position (GRCh38, 1-based): chr12:47,974,254, T>C on the plus strand (A>G on the coding strand, the complement: COL2A1 is on the minus strand). VCF-style: chr12-47974254-T-C. GRCh37 (hg19) VCF-style: chr12-48368037-T-C.
Other names: c.3945A>G, p.Glu1315= (NM_033150.3).
Identifiers: ClinVar variation 2642923 (VCV002642923.25), dbSNP rs1481675845, ClinGen allele CA479450220.